The following is an entry in ClinVar:

ClinVar aggregate classification (germline): Uncertain significance (1 of 4 stars; one submission).

Allele frequency attached by ClinVar (database versions not stated): gnomAD exomes below 0.00001.

Submission:

Labcorp Genetics (formerly Invitae), Labcorp
Classification: Uncertain significance. Last evaluated: 2022-08-09. Review status: criteria provided, single submitter. Criteria: Invitae Variant Classification Sherloc (09022015). Collection method: clinical testing. Allele origin: germline.
Comment: ClinVar contains an entry for this variant (Variation ID: 1345073). In summary, the available evidence is currently insufficient to determine the role of this variant in disease. Therefore, it has been classified as a Variant of Uncertain Significance. Algorithms developed to predict the effect of missense changes on protein structure and function are either unavailable or do not agree on the potential impact of this missense change (SIFT: "Not Available"; PolyPhen-2: "Possibly Damaging"; Align-GVGD: "Not Available"). This variant has not been reported in the literature in individuals affected with UNC80-related conditions. This variant is not present in population databases (gnomAD no frequency). This sequence change replaces isoleucine, which is neutral and non-polar, with leucine, which is neutral and non-polar, at codon 2061 of the UNC80 protein (p.Ile2061Leu).

NM_001371986.1(UNC80):c.6379A>C (p.Ile2127Leu)

Gene: UNC80 (unc-80 subunit of NALCN channel complex; plus strand). Cytogenetic location: 2q34.
Variant type: single nucleotide variant.
Coding change: c.6379A>C on transcript NM_001371986.1 (MANE Select); coding-DNA position 6379, A replaced by C.
Protein change: p.Ile2127Leu; replaces isoleucine 2127 with leucine.
Molecular consequence: missense variant.
Genome position (GRCh38, 1-based): chr2:209,937,544, A>C. VCF-style: chr2-209937544-A-C. GRCh37 (hg19) VCF-style: chr2-210802268-A-C.
Other names: c.6181A>C, p.Ile2061Leu (NM_032504.2); c.6166A>C, p.Ile2056Leu (NM_182587.4); short protein forms I2056L, I2061L, I2127L.
Identifiers: ClinVar variation 1345073 (VCV001345073.8), dbSNP rs2091333731, ClinGen allele CA350771392.